The following is an entry in ClinVar:

NM_032638.5(GATA2):c.457G>A (p.Gly153Arg)

Gene: GATA2 (GATA binding protein 2; minus strand). Cytogenetic location: 3q21.3.
Variant type: single nucleotide variant.
Coding change: c.457G>A on transcript NM_032638.5 (MANE Select); coding-DNA position 457, G replaced by A.
Protein change: p.Gly153Arg; replaces glycine 153 with arginine.
Molecular consequence: missense variant.
Genome position (GRCh38, 1-based): chr3:128,486,141, C>T on the plus strand (G>A on the coding strand, the complement: GATA2 is on the minus strand). VCF-style: chr3-128486141-C-T. GRCh37 (hg19) VCF-style: chr3-128204984-C-T.
Other names: c.457G>A, p.Gly153Arg (NM_001145661.2, NM_001145662.1); short protein forms G153R.
Identifiers: ClinVar variation 647184 (VCV000647184.12), dbSNP rs369637181, ClinGen allele CA2600024.

ClinVar aggregate classification (germline): Conflicting classifications of pathogenicity. Review status: criteria provided, conflicting classifications (1 of 4 stars). 4 submissions from 4 submitters: Uncertain significance (2); Likely benign (2). Last evaluated 2026-06-01.

Conditions:
Inborn genetic diseases. Identifiers: MedGen C0950123, MeSH D030342.
Deafness-lymphedema-leukemia syndrome. Also called: Lymphedema, primary, with myelodysplasia; Emberger syndrome. Identifiers: Orphanet 3226, MedGen C3279664, MONDO:0013540, OMIM 614038.
Myelodysplastic syndrome (MDS). Also called: Myelodysplastic syndrome, somatic; Myelodysplastic syndromes; MYELODYSPLASTIC SYNDROME, SUSCEPTIBILITY TO. Identifiers: Orphanet 52688, MedGen C3463824, MeSH D009190, MONDO:0018881, OMIM 614286.
Acute myeloid leukemia (AML). Also called: Acute myeloid leukemia, adult; AML adult; Acute non-lymphocytic leukemia; Acute granulocytic leukemia; Leukemia, acute myeloid, somatic; Leukemia, acute myelogenous, somatic. Identifiers: Orphanet 519, MedGen C0023467, MeSH D015470, MONDO:0018874, OMIM 601626, HP:0004808. Disease mechanism: Constitutively activated FLT3.
Monocytopenia with susceptibility to infections. Also called: MONOCYTOPENIA AND MYCOBACTERIAL INFECTION SYNDROME; MONOCYTOPENIA WITH SUSCEPTIBILITY TO MYCOBACTERIAL, FUNGAL, AND PAPILLOMAVIRUS INFECTIONS AND MYELODYSPLASIA; COMBINED IMMUNODEFICIENCY WITH SUSCEPTIBILITY TO MYCOBACTERIAL, VIRAL, AND FUNGAL INFECTIONS; GATA2 DEFICIENCY; IMMUNODEFICIENCY 21; Dendritic cell, monocyte, B lymphocyte, and natural killer lymphocyte deficiency. Identifiers: Orphanet 228423, MedGen C3280030, MONDO:0013607, OMIM 614172.

Allele frequency attached by ClinVar (database versions not stated): gnomAD exomes 0.00002 and 0.00009; ExAC 0.00003; gnomAD 0.00003; TOPMed 0.00005; ESP Exome Variant Server 0.00015.

Submissions (4):

CeGaT Center for Human Genetics Tuebingen
Classification: Likely benign. Last evaluated: 2026-06-01. Review status: criteria provided, single submitter. Criteria: CeGaT Center For Human Genetics Tuebingen Variant Classification Criteria Version 2. Collection method: clinical testing. Allele origin: germline. Affected: yes. Observed: 1 variant allele.
Comment: GATA2: BS1

Labcorp Genetics (formerly Invitae), Labcorp
Classification: Uncertain significance for Monocytopenia with susceptibility to infections; Deafness-lymphedema-leukemia syndrome. Last evaluated: 2026-01-11. Review status: criteria provided, single submitter. Criteria: Invitae Variant Classification Sherloc (09022015). Collection method: clinical testing. Allele origin: germline.
Comment: This sequence change replaces glycine, which is neutral and non-polar, with arginine, which is basic and polar, at codon 153 of the GATA2 protein (p.Gly153Arg). This variant is present in population databases (rs369637181, gnomAD 0.004%). This variant has not been reported in the literature in individuals affected with GATA2-related conditions. ClinVar contains an entry for this variant (Variation ID: 647184). Invitae Evidence Modeling of protein sequence and biophysical properties (such as structural, functional, and spatial information, amino acid conservation, physicochemical variation, residue mobility, and thermodynamic stability) indicates that this missense variant is not expected to disrupt GATA2 protein function with a negative predictive value of 95%. In summary, the available evidence is currently insufficient to determine the role of this variant in disease. Therefore, it has been classified as a Variant of Uncertain Significance.

Clinical Genomics Laboratory, Washington University in St. Louis
Classification: Uncertain significance for Myelodysplastic syndrome; Deafness-lymphedema-leukemia syndrome; Acute myeloid leukemia. Last evaluated: 2025-12-21. Review status: criteria provided, single submitter. Criteria: ACMG Guidelines, 2015. Collection method: clinical testing. Allele origin: germline.
Comment: A GATA2 c.457G>A (p.Gly153Arg) variant was identified at a near-heterozygous allelic fraction of 47.7%, a frequency that may be consistent with it being of germline origin. This variant, to our knowledge, has not been reported in the medical literature. It has been reported in the ClinVar database as a germline variant of uncertain significance by one submitter and a likely benign variant by one submitter (Variation ID: 647184). This variant is observed on 125/1,596,614 alleles in the general population (gnomAD v4.1.0). Computational predictors suggest that the variant does not impact GATA2 function. Due to limited information, and based on ACMG/AMP guidelines for variant interpretation (Richards S et al., PMID: 25741868), the clinical significance of this variant is uncertain at this time.

Ambry Genetics
Classification: Likely benign for Inborn genetic diseases. Last evaluated: 2024-08-20. Review status: criteria provided, single submitter. Criteria: Ambry Variant Classification Scheme 2023. Collection method: clinical testing. Allele origin: germline.

Literature cited by the submitters: uncertain (cited by Clinical Genomics Laboratory, Washington University in St. Louis).